The following is an entry in ClinVar:

ClinVar aggregate classification (germline): Pathogenic (1 of 4 stars; one submission).

Conditions:
Hereditary cancer-predisposing syndrome. Also called: Tumor predisposition; Neoplastic Syndromes, Hereditary; Hereditary neoplastic syndrome; Hereditary Cancer Syndrome. Identifiers: Orphanet 140162, MedGen C0027672, MeSH D009386, MONDO:0015356.

Submission:

Ambry Genetics
Classification: Pathogenic for Hereditary cancer-predisposing syndrome. Last evaluated: 2025-08-04. Review status: criteria provided, single submitter. Criteria: Ambry Variant Classification Scheme 2023. Collection method: clinical testing. Allele origin: germline.
Comment: The c.3294_3295insT pathogenic mutation, located in coding exon 5 of the MSH6 gene, results from an insertion of one nucleotide at position 3294, causing a translational frameshift with a predicted alternate stop codon (p.I1099Yfs*9). This variant is considered to be rare based on population cohorts in the Genome Aggregation Database (gnomAD). This alteration is expected to result in loss of function by premature protein truncation or nonsense-mediated mRNA decay. As such, this alteration is interpreted as a disease-causing mutation.

NM_000179.3(MSH6):c.3294_3295insT (p.Ile1099fs)

Gene: MSH6 (mutS homolog 6; plus strand). Cytogenetic location: 2p16.3.
Variant type: Insertion.
Coding change: c.3294_3295insT on transcript NM_000179.3 (MANE Select); coding-DNA positions 3294 to 3295, T inserted.
Protein change: p.Ile1099fs; shifts the reading frame from isoleucine 1099.
Molecular consequence: frameshift variant. On other transcripts: non-coding transcript variant (5), intron variant (1).
Genome position: GRCh38 VCF-style: chr2-47803541-C-CT. GRCh37 (hg19) VCF-style: chr2-48030680-C-CT.
Other names: c.2904_2905insT, p.Ile969fs (NM_001281492.2); c.2388_2389insT, p.Ile797fs (NM_001281493.2, NM_001281494.2, NM_001406811.1 and 6 more transcripts); c.3390_3391insT, p.Ile1131fs (NM_001406795.1, NM_001406802.1); c.3294_3295insT, p.Ile1099fs (NM_001406796.1, NM_001406800.1, NM_001406808.1 and 1 more transcripts); c.2997_2998insT, p.Ile1000fs (NM_001406797.1, NM_001406801.1, NM_001406805.1 and 10 more transcripts); c.2769_2770insT, p.Ile924fs (NM_001406799.1, NM_001406806.1, NM_001406807.1); c.2430_2431insT, p.Ile811fs (NM_001406803.1); c.3216_3217insT, p.Ile1073fs (NM_001406804.1); and 7 more; short protein forms I1000fs, I26fs, I414fs, I797fs, I1099fs, I48fs, I577fs, I969fs.
Identifiers: ClinVar variation 4111218 (VCV004111218.1).
Genomic context (GRCh38, chr2:47,803,541, plus strand): 5'-AATTCTGTTGCCGGAAGATACCCCCCCCTTCTTAGAGCTTAAAGGATCACGCCATCCTTG[C>CT]ATTACGAAGACTTTTTTTGGAGATGATTTTATTCCTAATGACATTCTAATAGGCTGTGAG-3'